The following is an entry in ClinVar:

NM_138615.3(DHX30):c.2393G>A (p.Ser798Asn)

Gene: DHX30 (DExH-box helicase 30; plus strand). Cytogenetic location: 3p21.31.
Variant type: single nucleotide variant.
Coding change: c.2393G>A on transcript NM_138615.3 (MANE Select); coding-DNA position 2393, G replaced by A.
Protein change: p.Ser798Asn; replaces serine 798 with asparagine.
Molecular consequence: missense variant.
Genome position (GRCh38, 1-based): chr3:47,848,286, G>A. VCF-style: chr3-47848286-G-A. GRCh37 (hg19) VCF-style: chr3-47889776-G-A.
Other names: c.2309G>A, p.Ser770Asn (NM_001330990.2); c.2276G>A, p.Ser759Asn (NM_014966.4); short protein forms S759N, S770N, S798N.
Identifiers: ClinVar variation 2430439 (VCV002430439.1), dbSNP rs768490052, ClinGen allele CA2370120.

ClinVar aggregate classification (germline): Uncertain significance (1 of 4 stars; one submission).

Allele frequency attached by ClinVar (database versions not stated): gnomAD exomes below 0.00001; ExAC 0.00001.
gnomAD v4.1: 1 of 1,613,880 alleles (0.000062%); highest among the groups gnomAD compares: Admixed American, 0.0017%; no homozygotes.

Submission:

GeneDx
Classification: Uncertain significance. Last evaluated: 2022-08-25. Review status: criteria provided, single submitter. Criteria: GeneDx Variant Classification Process June 2021. Collection method: clinical testing. Allele origin: germline. Affected: yes.
Comment: In silico analysis supports that this missense variant does not alter protein structure/function; Has not been previously published as pathogenic or benign to our knowledge